The following is an entry in ClinVar:

NM_001388453.1(QRICH2):c.3952del (p.Arg1318fs)

Gene: QRICH2 (glutamine rich 2; minus strand). Cytogenetic location: 17q25.1.
Variant type: Deletion.
Coding change: c.3952del on transcript NM_001388453.1 (MANE Select); coding-DNA position 3952, one base deleted (A; older notation c.3952delA).
Protein change: p.Arg1318fs; shifts the reading frame from arginine 1318.
Molecular consequence: frameshift variant. On other transcripts: non-coding transcript variant (1).
Genome position (GRCh38, 1-based): chr17:76,287,251, T deleted on the plus strand (A on the coding strand, the reverse complement: QRICH2 is on the minus strand). VCF-style (leftmost placement, unchanged base first): chr17-76287250-CT-C. GRCh37 (hg19) VCF-style: chr17-74283331-CT-C.
Other names: c.3952delA (NM_001388453.1); c.3952del, p.Arg1318fs (NM_032134.3); short protein forms R1318fs.
Identifiers: ClinVar variation 4850245 (VCV004850245.1).

ClinVar aggregate classification (germline): Likely pathogenic (1 of 4 stars; one submission).

Conditions:
Spermatogenic failure 35. Identifiers: MedGen C5193038, MONDO:0032686, OMIM 618341.

Submission:

First Genomix Gene Laboratory, Genetic Diagnostics Department
Classification: Likely pathogenic for Spermatogenic failure 35. Last evaluated: 2025-08-28. Review status: criteria provided, single submitter. Criteria: ACMG Guidelines, 2015. Collection method: clinical testing. Allele origin: germline. Inheritance: Autosomal recessive inheritance. Affected: no. Observed: 1 variant allele.